The following is an entry in ClinVar:

NM_024408.4(NOTCH2):c.6961G>A (p.Ala2321Thr)

Gene: NOTCH2 (notch receptor 2; minus strand). Cytogenetic location: 1p12.
Variant type: single nucleotide variant.
Coding change: c.6961G>A on transcript NM_024408.4 (MANE Select); coding-DNA position 6961, G replaced by A.
Protein change: p.Ala2321Thr; replaces alanine 2321 with threonine.
Molecular consequence: missense variant.
Genome position (GRCh38, 1-based): chr1:119,915,761, C>T on the plus strand (G>A on the coding strand, the complement: NOTCH2 is on the minus strand). VCF-style: chr1-119915761-C-T. GRCh37 (hg19) VCF-style: chr1-120458384-C-T.
Other names: short protein forms A2321T.
Identifiers: ClinVar variation 4742373 (VCV004742373.1).
Genomic context (GRCh38, chr1:119,915,761, plus strand): 5'-GGTACATGGTGGGCAGGGGGCCCGCAACAGCTGGAGGGCAGGTGGACTGAGGCTGGGGAG[C>T]CCCCGCTGGTTGGGCAATACTGCCTTTAGGGATGAGCTGGAAAGTCACAATGGGGGGCAA-3'
Protein context (NP_077719.2, residues 2311-2331): PKGSIAQPAG[Ala2321Thr]PQPQSTCPPA

ClinVar aggregate classification (germline): Uncertain significance (1 of 4 stars; one submission).

Conditions:
Hajdu-Cheney syndrome (HJCYS). Also called: Acroosteolysis dominant type; ACROOSTEOLYSIS WITH OSTEOPOROSIS AND CHANGES IN SKULL AND MANDIBLE; SERPENTINE FIBULA-POLYCYSTIC KIDNEY SYNDROME. Identifiers: Orphanet 955, MedGen C0917715, MONDO:0007057, OMIM 102500.

Submission:

Labcorp Genetics (formerly Invitae), Labcorp
Classification: Uncertain significance for Hajdu-Cheney syndrome. Last evaluated: 2025-03-13. Review status: criteria provided, single submitter. Criteria: Invitae Variant Classification Sherloc (09022015). Collection method: clinical testing. Allele origin: germline.
Comment: This sequence change replaces alanine, which is neutral and non-polar, with threonine, which is neutral and polar, at codon 2321 of the NOTCH2 protein (p.Ala2321Thr). This variant is not present in population databases (gnomAD no frequency). This variant has not been reported in the literature in individuals affected with NOTCH2-related conditions. Invitae Evidence Modeling of protein sequence and biophysical properties (such as structural, functional, and spatial information, amino acid conservation, physicochemical variation, residue mobility, and thermodynamic stability) indicates that this missense variant is not expected to disrupt NOTCH2 protein function with a negative predictive value of 80%. In summary, the available evidence is currently insufficient to determine the role of this variant in disease. Therefore, it has been classified as a Variant of Uncertain Significance.